The following is an entry in ClinVar:

ClinVar aggregate classification (germline): Uncertain significance (1 of 4 stars; one submission).

Conditions:
Inborn genetic diseases. Identifiers: MedGen C0950123, MeSH D030342.

Submission:

Ambry Genetics
Classification: Uncertain significance for Inborn genetic diseases. Last evaluated: 2026-06-17. Review status: criteria provided, single submitter. Criteria: Ambry Variant Classification Scheme 2023. Collection method: clinical testing. Allele origin: germline.
Comment: The p.A351V variant (also known as c.1052C>T), located in coding exon 5 of the SH2B3 gene, results from a C to T substitution at nucleotide position 1052. The alanine at codon 351 is replaced by valine, an amino acid with similar properties. This amino acid position is conserved. In addition, this alteration is predicted to be tolerated by in silico analysis. Based on the available evidence, the clinical significance of this variant remains unclear.

NM_005475.3(SH2B3):c.1052C>T (p.Ala351Val)

Gene: SH2B3 (SH2B adaptor protein 3; plus strand). Cytogenetic location: 12q24.12.
Variant type: single nucleotide variant.
Coding change: c.1052C>T on transcript NM_005475.3 (MANE Select); coding-DNA position 1052, C replaced by T.
Protein change: p.Ala351Val; replaces alanine 351 with valine.
Molecular consequence: missense variant.
Genome position (GRCh38, 1-based): chr12:111,447,360, C>T. VCF-style: chr12-111447360-C-T. GRCh37 (hg19) VCF-style: chr12-111885164-C-T.
Other names: c.446C>T, p.Ala149Val (NM_001291424.1); short protein forms A149V, A351V.
Identifiers: ClinVar variation 2315035 (VCV002315035.3), dbSNP rs773228990, ClinGen allele CA6789851.